The following is an entry in ClinVar:

ClinVar aggregate classification (germline): Uncertain significance. Review status: criteria provided, multiple submitters, no conflicts (2 of 4 stars). 3 submissions from 3 submitters: Uncertain significance (3). Last evaluated 2025-11-26.

Allele frequency attached by ClinVar (database versions not stated): gnomAD 0.00001 and 0.00003; TOPMed 0.00001; ExAC 0.00002; gnomAD exomes 0.00004; 1000 Genomes Project 30x 0.00016; 1000 Genomes Project 0.00020.

Submissions (3):

Ambry Genetics
Classification: Uncertain significance. Last evaluated: 2025-11-26. Review status: criteria provided, single submitter. Criteria: Ambry Variant Classification Scheme 2023. Collection method: clinical testing. Allele origin: germline.

Labcorp Genetics (formerly Invitae), Labcorp
Classification: Uncertain significance. Last evaluated: 2025-01-27. Review status: criteria provided, single submitter. Criteria: Invitae Variant Classification Sherloc (09022015). Collection method: clinical testing. Allele origin: germline.
Comment: This sequence change replaces valine, which is neutral and non-polar, with isoleucine, which is neutral and non-polar, at codon 1066 of the NIN protein (p.Val1066Ile). This variant is present in population databases (rs143976273, gnomAD 0.02%). This variant has not been reported in the literature in individuals affected with NIN-related conditions. ClinVar contains an entry for this variant (Variation ID: 211606). An algorithm developed to predict the effect of missense changes on protein structure and function outputs the following: PolyPhen-2: "Possibly Damaging". The isoleucine amino acid residue is found in multiple mammalian species, which suggests that this missense change does not adversely affect protein function. In summary, the available evidence is currently insufficient to determine the role of this variant in disease. Therefore, it has been classified as a Variant of Uncertain Significance.

Genetic Services Laboratory, University of Chicago
Classification: Uncertain significance. Last evaluated: 2015-04-10. Review status: criteria provided, single submitter. Criteria: ACMG Guidelines, 2015. Collection method: clinical testing. Allele origin: germline.

NM_020921.4(NIN):c.3196G>A (p.Val1066Ile)

Gene: NIN (ninein; minus strand). Cytogenetic location: 14q22.1.
Variant type: single nucleotide variant.
Coding change: c.3196G>A on transcript NM_020921.4 (MANE Select); coding-DNA position 3196, G replaced by A.
Protein change: p.Val1066Ile; replaces valine 1066 with isoleucine.
Molecular consequence: missense variant. On other transcripts: intron variant (1).
Genome position (GRCh38, 1-based): chr14:50,757,834, C>T on the plus strand (G>A on the coding strand, the complement: NIN is on the minus strand). VCF-style: chr14-50757834-C-T. GRCh37 (hg19) VCF-style: chr14-51224552-C-T.
Other names: c.3196G>A, p.Val1066Ile (NM_182944.3, NM_182946.2); c.2399+2023G>A (NM_016350.5); short protein forms V1066I.
Identifiers: ClinVar variation 211606 (VCV000211606.10), dbSNP rs143976273, ClinGen allele CA205898.